The following is an entry in ClinVar:

ClinVar aggregate classification (germline): Pathogenic (1 of 4 stars; one submission).

Conditions:
Duchenne muscular dystrophy (DMD). Also called: MUSCULAR DYSTROPHY, PSEUDOHYPERTROPHIC PROGRESSIVE, DUCHENNE TYPE; Duchenne Muscular Dystrophy (DMD). Identifiers: Orphanet 98896, MedGen C0013264, MONDO:0010679, OMIM 310200.

Submission:

Labcorp Genetics (formerly Invitae), Labcorp
Classification: Pathogenic for Duchenne muscular dystrophy. Last evaluated: 2018-07-09. Review status: criteria provided, single submitter. Criteria: Invitae Variant Classification Sherloc (09022015). Collection method: clinical testing. Allele origin: germline.
Comment: This variant is an in-frame deletion of the genomic region encompassing exon 13 of the DMD gene. It preserves the integrity of the reading frame. Similar deletions of exon 13 have been observed in individuals affected withÂ¬â€ dystrophinopathyÂ¬â€ (PMID: 18353051, 22379338, 28116794, 28610567). For these reasons, this variant has been classified as Pathogenic.

Literature cited by the submitters: PubMed 22379338; PubMed 18353051; PubMed 28610567; PubMed 28116794.

NC_000023.11:g.(?_32595737)_(32595896_?)del

Gene: DMD (dystrophin; minus strand). Cytogenetic location: Xp21.1.
Variant type: Deletion.
Identifiers: ClinVar variation 660695 (VCV000660695.1).